The following is an entry in ClinVar:

ClinVar aggregate classification (germline): Uncertain significance (1 of 4 stars; one submission).

Conditions:
Niemann-Pick disease, type C1. Also called: NIEMANN-PICK DISEASE WITHOUT SPHINGOMYELINASE DEFICIENCY; NIEMANN-PICK DISEASE, CHRONIC NEURONOPATHIC FORM; NEUROVISCERAL STORAGE DISEASE WITH VERTICAL SUPRANUCLEAR OPHTHALMOPLEGIA; NIEMANN-PICK DISEASE WITH CHOLESTEROL ESTERIFICATION BLOCK; NIEMANN-PICK DISEASE, VARIANT TYPE C1. Identifiers: Orphanet 646, MedGen C3179455, MONDO:0009757, OMIM 257220.

gnomAD v4.1: 5 of 1,614,130 alleles (0.00031%); highest among the groups gnomAD compares: Admixed American, 0.0017%; no homozygotes.

Submission:

Labcorp Genetics (formerly Invitae), Labcorp
Classification: Uncertain significance for Niemann-Pick disease, type C1. Last evaluated: 2024-10-30. Review status: criteria provided, single submitter. Criteria: Invitae Variant Classification Sherloc (09022015). Collection method: clinical testing. Allele origin: germline.
Comment: This sequence change replaces isoleucine, which is neutral and non-polar, with valine, which is neutral and non-polar, at codon 1099 of the NPC1 protein (p.Ile1099Val). This variant is present in population databases (no rsID available, gnomAD 0.003%). This variant has not been reported in the literature in individuals affected with NPC1-related conditions. ClinVar contains an entry for this variant (Variation ID: 2155522). Invitae Evidence Modeling of protein sequence and biophysical properties (such as structural, functional, and spatial information, amino acid conservation, physicochemical variation, residue mobility, and thermodynamic stability) indicates that this missense variant is not expected to disrupt NPC1 protein function with a negative predictive value of 95%. In summary, the available evidence is currently insufficient to determine the role of this variant in disease. Therefore, it has been classified as a Variant of Uncertain Significance.

NM_000271.5(NPC1):c.3295A>G (p.Ile1099Val)

Gene: NPC1 (NPC intracellular cholesterol transporter 1; minus strand). Cytogenetic location: 18q11.2.
Variant type: single nucleotide variant.
Coding change: c.3295A>G on transcript NM_000271.5 (MANE Select); coding-DNA position 3295, A replaced by G.
Protein change: p.Ile1099Val; replaces isoleucine 1099 with valine.
Molecular consequence: missense variant.
Genome position (GRCh38, 1-based): chr18:23,535,651, T>C on the plus strand (A>G on the coding strand, the complement: NPC1 is on the minus strand). VCF-style: chr18-23535651-T-C. GRCh37 (hg19) VCF-style: chr18-21115615-T-C.
Other names: short protein forms I1099V.
Identifiers: ClinVar variation 2155522 (VCV002155522.2), dbSNP rs753064951, ClinGen allele CA297079240.
Genomic context (GRCh38, chr18:23,535,651, plus strand): 5'-AGCCCAGGAGGACCATGGTCACCAGAAATATCGCGCCCAGGGACACACCGAGGTTGAAGA[T>C]AGTGTCGTCAATGATGGTCAGGTACTGTTCGTAGAAGACATAAAACACACTGGAGGGGAG-3'
Protein context (NP_000262.2, residues 1089-1109): EQYLTIIDDT[Ile1099Val]FNLGVSLGAI